The following is an entry in ClinVar:

ClinVar aggregate classification (germline): Uncertain significance (1 of 4 stars; one submission).

Conditions:
Neurofibromatosis, type 2 (SWNV). Also called: BILATERAL ACOUSTIC NEUROFIBROMATOSIS; NF2-Related Schwannomatosis; SCHWANNOMATOSIS, VESTIBULAR. Identifiers: Orphanet 637, MedGen C0027832, MONDO:0007039, OMIM 101000. Disease mechanism: loss of function.

Submission:

Color Diagnostics, LLC DBA Color Health
Classification: Uncertain significance for Neurofibromatosis, type 2. Last evaluated: 2025-06-29. Review status: criteria provided, single submitter. Criteria: ACMG Guidelines, 2015. Collection method: clinical testing. Allele origin: germline.
Comment: This missense variant replaces aspartic acid with glycine at codon 508 of the NF2 protein. Computational prediction suggests that this variant may have deleterious impact on protein structure and function. To our knowledge, functional studies have not been reported for this variant. This variant has not been reported in individuals affected with NF2-related disorders in the literature. This variant has not been identified in the general population by the Genome Aggregation Database (gnomAD). The available evidence is insufficient to determine the role of this variant in disease conclusively. Therefore, this variant is classified as a Variant of Uncertain Significance.

NM_000268.4(NF2):c.1523A>G (p.Asp508Gly)

Gene: NF2 (NF2, moesin-ezrin-radixin like (MERLIN) tumor suppressor; plus strand). Cytogenetic location: 22q12.2.
Variant type: single nucleotide variant.
Coding change: c.1523A>G on transcript NM_000268.4 (MANE Select); coding-DNA position 1523, A replaced by G.
Protein change: p.Asp508Gly; replaces aspartic acid 508 with glycine.
Molecular consequence: missense variant. On other transcripts: non-coding transcript variant (1), intron variant (1).
Genome position (GRCh38, 1-based): chr22:29,678,272, A>G. VCF-style: chr22-29678272-A-G. GRCh37 (hg19) VCF-style: chr22-30074261-A-G.
Other names: c.448-16480A>G (NM_181833.3); c.1409A>G, p.Asp470Gly (NM_001407053.1, NM_001407056.1); c.1400A>G, p.Asp467Gly (NM_001407054.1, NM_001407058.1, NM_181829.3); c.1397A>G, p.Asp466Gly (NM_001407055.1, NM_181828.3); c.1388A>G, p.Asp463Gly (NM_001407057.1, NM_001407059.1); c.1523A>G, p.Asp508Gly (NM_001407060.1, NM_001407066.1, NM_016418.5 and 2 more transcripts); c.1265A>G, p.Asp422Gly (NM_001407062.1); c.1274A>G, p.Asp425Gly (NM_001407063.1, NM_001407064.1, NM_181830.3 and 1 more transcripts); and 2 more; short protein forms D330G, D422G, D425G, D431G, D463G, D466G, D467G, D470G.
Identifiers: ClinVar variation 4756874 (VCV004756874.1).
Genomic context (GRCh38, chr22:29,678,272, plus strand): 5'-CAGCACCGTTGCCTCCTGACATACCAAGCTTCAACCTCATTGGTGACAGCCTGTCTTTCG[A>G]CTTCAAAGATACTGACATGAAGCGGCTTTCCATGGAGATAGAGAAAGAAAAGTATGTAGC-3'
Protein context (NP_000259.1, residues 498-518): FNLIGDSLSF[Asp508Gly]FKDTDMKRLS